The following is an entry in ClinVar:

NM_001127453.2(GSDME):c.939C>T (p.Ile313=)

Gene: GSDME (gasdermin E; minus strand). Cytogenetic location: 7p15.3.
Variant type: single nucleotide variant.
Coding change: c.939C>T on transcript NM_001127453.2 (MANE Select); coding-DNA position 939, C replaced by T.
Protein change: p.Ile313=; no amino-acid change (isoleucine 313 retained).
Molecular consequence: synonymous variant.
Genome position (GRCh38, 1-based): chr7:24,708,178, G>A on the plus strand (C>T on the coding strand, the complement: GSDME is on the minus strand). VCF-style: chr7-24708178-G-A. GRCh37 (hg19) VCF-style: chr7-24747797-G-A.
Other names: c.447C>T, p.Ile149= (NM_001127454.2); c.939C>T, p.Ile313= (NM_004403.3).
Identifiers: ClinVar variation 911173 (VCV000911173.9), dbSNP rs556679282, ClinGen allele CA4191496.

ClinVar aggregate classification (germline): Benign/Likely benign. Review status: criteria provided, multiple submitters, no conflicts (2 of 4 stars). 4 submissions from 4 submitters: Benign (1); Likely benign (3). Last evaluated 2026-04-28.

Conditions:
GSDME-related disorder. Also called: GSDME-related condition.
Autosomal dominant nonsyndromic hearing loss 5. Identifiers: Orphanet 90635, MedGen C1832932, MONDO:0010973, OMIM 600994.

Allele frequency attached by ClinVar (database versions not stated): gnomAD below 0.00001; 1000 Genomes Project 30x 0.00016; 1000 Genomes Project 0.00020.
gnomAD v4.1: 165 of 1,614,186 alleles (0.01%); highest among the groups gnomAD compares: South Asian, 0.18%; 7 homozygotes.

Submissions (4):

PreventionGenetics, part of Exact Sciences
Classification: Likely benign for GSDME-related condition. Last evaluated: 2026-04-28. Review status: criteria provided, single submitter. Criteria: ACMG Guidelines, 2015. Collection method: clinical testing. Allele origin: germline.
Comment: This variant is classified as likely benign based on ACMG/AMP sequence variant interpretation guidelines (Richards et al. 2015 PMID: 25741868, with internal and published modifications).

Labcorp Genetics (formerly Invitae), Labcorp
Classification: Benign. Last evaluated: 2026-01-02. Review status: criteria provided, single submitter. Criteria: Invitae Variant Classification Sherloc (09022015). Collection method: clinical testing. Allele origin: germline.

GeneDx
Classification: Likely benign. Last evaluated: 2019-05-09. Review status: criteria provided, single submitter. Criteria: GeneDx Variant Classification Process June 2021. Collection method: clinical testing. Allele origin: germline. Affected: yes.

Illumina Laboratory Services, Illumina
Classification: Likely benign for Autosomal dominant nonsyndromic hearing loss 5. Last evaluated: 2018-01-12. Review status: criteria provided, single submitter. Criteria: ICSL Variant Classification Criteria 13 December 2019. Collection method: clinical testing. Allele origin: germline.
Comment: This variant was observed in the ICSL laboratory as part of a predisposition screen in an ostensibly healthy population. It had not been previously curated by ICSL or reported in the Human Gene Mutation Database (HGMD: prior to June 1st, 2018), and was therefore a candidate for classification through an automated scoring system. Utilizing variant allele frequency, disease prevalence and penetrance estimates, and inheritance mode, an automated score was calculated to assess if this variant is too frequent to cause the disease. Based on the score and internal cut-off values, a variant classified as likely benign is not then subjected to further curation. The score for this variant resulted in a classification of likely benign for this disease.